The following is an entry in ClinVar:

NM_005236.3(ERCC4):c.1622A>G (p.Asp541Gly)

Gene: ERCC4 (ERCC excision repair 4, endonuclease catalytic subunit; plus strand). Cytogenetic location: 16p13.12.
Variant type: single nucleotide variant.
Coding change: c.1622A>G on transcript NM_005236.3 (MANE Select); coding-DNA position 1622, A replaced by G.
Protein change: p.Asp541Gly; replaces aspartic acid 541 with glycine.
Molecular consequence: missense variant.
Genome position (GRCh38, 1-based): chr16:13,935,554, A>G. VCF-style: chr16-13935554-A-G. GRCh37 (hg19) VCF-style: chr16-14029411-A-G.
Other names: short protein forms D541G.
Identifiers: ClinVar variation 2158923 (VCV002158923.4), dbSNP rs2032270734, ClinGen allele CA394811997.

ClinVar aggregate classification (germline): Uncertain significance (1 of 4 stars; one submission).

Conditions:
Xeroderma pigmentosum, group F (XPF). Also called: XERODERMA PIGMENTOSUM, TYPE F; Xeroderma pigmentosum, type 6; XERODERMA PIGMENTOSUM VI; XP, GROUP F; XERODERMA PIGMENTOSUM, COMPLEMENTATION GROUP F; ERCC4-Related Xeroderma Pigmentosum. Identifiers: MedGen C0268140, MONDO:0010215, OMIM 278760.
Cockayne syndrome. Identifiers: Orphanet 191, MedGen C0009207, MONDO:0016006.
Fanconi anemia complementation group Q. Identifiers: Orphanet 84, MedGen C3808988, MONDO:0014108, OMIM 615272.

Submission:

Labcorp Genetics (formerly Invitae), Labcorp
Classification: Uncertain significance for Fanconi anemia complementation group Q; Xeroderma pigmentosum, group F; Cockayne syndrome. Last evaluated: 2022-01-19. Review status: criteria provided, single submitter. Criteria: Invitae Variant Classification Sherloc (09022015). Collection method: clinical testing. Allele origin: germline.
Comment: This variant has not been reported in the literature in individuals affected with ERCC4-related conditions. This variant is not present in population databases (gnomAD no frequency). This sequence change replaces aspartic acid, which is acidic and polar, with glycine, which is neutral and non-polar, at codon 541 of the ERCC4 protein (p.Asp541Gly). In summary, the available evidence is currently insufficient to determine the role of this variant in disease. Therefore, it has been classified as a Variant of Uncertain Significance. Algorithms developed to predict the effect of sequence changes on RNA splicing suggest that this variant may create or strengthen a splice site. Algorithms developed to predict the effect of missense changes on protein structure and function are either unavailable or do not agree on the potential impact of this missense change (SIFT: "Deleterious"; PolyPhen-2: "Possibly Damaging"; Align-GVGD: "Class C0").